The following is an entry in ClinVar:

NM_001374736.1(DST):c.12904-3C>T

Gene: DST (dystonin; minus strand). Cytogenetic location: 6p12.1.
Variant type: single nucleotide variant.
Coding change: c.12904-3C>T on transcript NM_001374736.1 (MANE Select); 3 bases into the intron before coding-DNA position 12904, C replaced by T.
Molecular consequence: intron variant.
Genome position (GRCh38, 1-based): chr6:56,578,940, G>A on the plus strand (C>T on the coding strand, the complement: DST is on the minus strand). VCF-style: chr6-56578940-G-A. GRCh37 (hg19) VCF-style: chr6-56443738-G-A.
Other names: c.6547-3C>T (NM_001144769.2, NM_001144769.5); c.6013-3C>T (NM_001374730.1, NM_001386100.1, NM_183380.4); c.12271-3C>T (NM_001374729.1); c.5035-3C>T (NM_015548.5); c.12904-3C>T (NM_001374722.1); c.12931-3C>T (NM_001374734.1); c.6133-3C>T (NM_001144770.2).
Identifiers: ClinVar variation 1401973 (VCV001401973.4), dbSNP rs776034819, ClinGen allele CA3868338.

ClinVar aggregate classification (germline): Conflicting classifications of pathogenicity. Review status: criteria provided, conflicting classifications (1 of 4 stars). 2 submissions from 2 submitters: Uncertain significance (1); Likely benign (1). Last evaluated 2026-04-04.

Conditions:
Hereditary sensory and autonomic neuropathy type 6. Also called: Neuropathy, hereditary sensory and autonomic, type VI; HSAN VI. Identifiers: Orphanet 314381, MedGen C3539003, MONDO:0013839, OMIM 614653.
Epidermolysis bullosa simplex 3, localized or generalized intermediate, with BP230 deficiency (EBS3). Also called: Epidermolysis bullosa simplex due to BP230 deficiency; Epidermolysis bullosa simplex, autosomal recessive 2. Identifiers: Orphanet 412181, MedGen C3809470, MONDO:0014180, OMIM 615425.
DST-related disorder. Also called: DST-related condition; DST-related disorders.

Allele frequency attached by ClinVar (database versions not stated): gnomAD 0.00001; gnomAD exomes 0.00001; TOPMed 0.00001; ExAC 0.00004.
gnomAD v4.1: 13 of 1,586,434 alleles (0.00082%); highest among the groups gnomAD compares: Non-Finnish European, 0.0011%; no homozygotes.

Submissions (2):

PreventionGenetics, part of Exact Sciences
Classification: Likely benign for DST-related condition. Last evaluated: 2026-04-04. Review status: criteria provided, single submitter. Criteria: ACMG Guidelines, 2015. Collection method: clinical testing. Allele origin: germline.
Comment: This variant is classified as likely benign based on ACMG/AMP sequence variant interpretation guidelines (Richards et al. 2015 PMID: 25741868, with internal and published modifications).

Labcorp Genetics (formerly Invitae), Labcorp
Classification: Uncertain significance for Epidermolysis bullosa simplex 3, localized or generalized intermediate, with BP230 deficiency; Hereditary sensory and autonomic neuropathy type 6. Last evaluated: 2020-12-03. Review status: criteria provided, single submitter. Criteria: Invitae Variant Classification Sherloc (09022015). Collection method: clinical testing. Allele origin: germline.
Comment: This sequence change falls in intron 30 of the DST gene. It does not directly change the encoded amino acid sequence of the DST protein, but it affects a nucleotide within the consensus splice site of the intron. The DST gene has multiple clinically relevant transcripts. This variant occurs in alternate transcript NM_015548.4, and corresponds to NM_001723.5:c.*36577C>T in the primary transcript. This variant is present in population databases (rs776034819, ExAC 0.007%). This variant has not been reported in the literature in individuals with DST-related conditions. Nucleotide substitutions within the consensus splice site are a relatively common cause of aberrant splicing (PMID: 17576681, 9536098). In summary, the available evidence is currently insufficient to determine the role of this variant in disease. Therefore, it has been classified as a Variant of Uncertain Significance.

Literature cited by the submitters: PubMed 17576681 (cited by Labcorp Genetics (formerly Invitae), Labcorp); PubMed 9536098 (cited by Labcorp Genetics (formerly Invitae), Labcorp).